The following is an entry in ClinVar:

ClinVar aggregate classification (germline): Pathogenic (1 of 4 stars; one submission).

Conditions:
Leber congenital amaurosis 13 (LCA13). Identifiers: MedGen C2675186, MONDO:0012990, OMIM 612712.

Submission:

Labcorp Genetics (formerly Invitae), Labcorp
Classification: Pathogenic for Leber congenital amaurosis 13. Last evaluated: 2023-11-10. Review status: criteria provided, single submitter. Criteria: Invitae Variant Classification Sherloc (09022015). Collection method: clinical testing. Allele origin: germline.
Comment: This sequence change creates a premature translational stop signal (p.Gln36*) in the RDH12 gene. It is expected to result in an absent or disrupted protein product. Loss-of-function variants in RDH12 are known to be pathogenic (PMID: 17964524, 22065924, 32014858, 34001834). This variant is not present in population databases (gnomAD no frequency). This variant has not been reported in the literature in individuals affected with RDH12-related conditions. Algorithms developed to predict the effect of sequence changes on RNA splicing suggest that this variant may disrupt the consensus splice site. For these reasons, this variant has been classified as Pathogenic.

Literature cited by the submitters: PubMed 17964524; PubMed 22065924; PubMed 32014858; PubMed 34001834.

NM_152443.3(RDH12):c.106C>T (p.Gln36Ter)

Genes: RDH12 (retinol dehydrogenase 12; plus strand), GPHN (gephyrin; plus strand). Cytogenetic location: 14q24.1.
Variant type: single nucleotide variant.
Coding change: c.106C>T on transcript NM_152443.3 (MANE Select); coding-DNA position 106, C replaced by T.
Protein change: p.Gln36Ter; replaces glutamine 36 with a stop codon.
Molecular consequence: nonsense.
Genome position (GRCh38, 1-based): chr14:67,724,510, C>T. VCF-style: chr14-67724510-C-T. GRCh37 (hg19) VCF-style: chr14-68191227-C-T.
Other names: short protein forms Q36*.
Identifiers: ClinVar variation 2978945 (VCV002978945.3), dbSNP rs867494661, ClinGen allele CA390147773.